The following is an entry in ClinVar:

NM_015057.5(MYCBP2):c.6147A>C (p.Thr2049=)

Gene: MYCBP2 (MYC binding protein 2; minus strand). Cytogenetic location: 13q22.3.
Variant type: single nucleotide variant.
Coding change: c.6147A>C on transcript NM_015057.5 (MANE Select); coding-DNA position 6147, A replaced by C.
Protein change: p.Thr2049=; no amino-acid change (threonine 2049 retained).
Molecular consequence: synonymous variant.
Genome position (GRCh38, 1-based): chr13:77,166,522, T>G on the plus strand (A>C on the coding strand, the complement: MYCBP2 is on the minus strand). VCF-style: chr13-77166522-T-G. GRCh37 (hg19) VCF-style: chr13-77740657-T-G.
Identifiers: ClinVar variation 721764 (VCV000721764.5), dbSNP rs146633340, ClinGen allele CA7009307.

ClinVar aggregate classification (germline): Benign. Review status: criteria provided, single submitter (1 of 4 stars). 2 submissions from 2 submitters: Benign (1). 1 of the submissions does not count toward it. Last evaluated 2018-05-17.

Conditions:
MYCBP2-related disorder. Also called: MYCBP2-related condition.

Allele frequency attached by ClinVar (database versions not stated): ESP Exome Variant Server 0.00115; TOPMed 0.00120; 1000 Genomes Project 30x 0.00125; 1000 Genomes Project 0.00140; gnomAD 0.00153; ExAC 0.00192.
gnomAD v4.1: 3,011 of 1,613,464 alleles (0.19%); highest among the groups gnomAD compares: South Asian, 0.24%; 4 homozygotes.

Submissions (2):

Labcorp Genetics (formerly Invitae), Labcorp
Classification: Benign. Last evaluated: 2018-05-17. Review status: criteria provided, single submitter. Criteria: Invitae Variant Classification Sherloc (09022015). Collection method: clinical testing. Allele origin: germline.

PreventionGenetics, part of Exact Sciences
Classification: Likely benign for MYCBP2-related condition. Last evaluated: 2019-03-04. Review status: no assertion criteria provided. Collection method: clinical testing. Allele origin: germline. Not counted in ClinVar's aggregate classification.
Comment: This variant is classified as likely benign based on ACMG/AMP sequence variant interpretation guidelines (Richards et al. 2015 PMID: 25741868, with internal and published modifications).